The following is an entry in ClinVar:

NM_001394062.1(MACF1):c.15470C>T (p.Ser5157Phe)

Gene: MACF1 (microtubule actin crosslinking factor 1; plus strand). Cytogenetic location: 1p34.3.
Variant type: single nucleotide variant.
Coding change: c.15470C>T on transcript NM_001394062.1 (MANE Select); coding-DNA position 15470, C replaced by T.
Protein change: p.Ser5157Phe; replaces serine 5157 with phenylalanine.
Molecular consequence: missense variant.
Genome position (GRCh38, 1-based): chr1:39,388,312, C>T. VCF-style: chr1-39388312-C-T. GRCh37 (hg19) VCF-style: chr1-39853984-C-T.
Other names: c.9284C>T, p.Ser3095Phe (NM_012090.5); short protein forms S3095F, S5157F.
Identifiers: ClinVar variation 3602550 (VCV003602550.1).

ClinVar aggregate classification (germline): Uncertain significance (1 of 4 stars; one submission).

Submission:

GeneDx
Classification: Uncertain significance. Last evaluated: 2024-07-31. Review status: criteria provided, single submitter. Criteria: GeneDx Variant Classification Process June 2021. Collection method: clinical testing. Allele origin: germline. Affected: yes.
Comment: Not observed at significant frequency in large population cohorts (gnomAD); In silico analysis supports that this missense variant has a deleterious effect on protein structure/function; Has not been previously published as pathogenic or benign to our knowledge